The following is an entry in ClinVar:

ClinVar aggregate classification (germline): Uncertain significance (1 of 4 stars; one submission).

Conditions:
Macular corneal dystrophy (MCD). Also called: GROENOUW TYPE II CORNEAL DYSTROPHY; Macular corneal dystrophy Type I. Identifiers: Orphanet 98969, MedGen C1636149, MONDO:0009020, OMIM 217800.

Submission:

Labcorp Genetics (formerly Invitae), Labcorp
Classification: Uncertain significance for Macular corneal dystrophy. Last evaluated: 2022-07-18. Review status: criteria provided, single submitter. Criteria: Invitae Variant Classification Sherloc (09022015). Collection method: clinical testing. Allele origin: germline.
Comment: In summary, the available evidence is currently insufficient to determine the role of this variant in disease. Therefore, it has been classified as a Variant of Uncertain Significance. Algorithms developed to predict the effect of missense changes on protein structure and function are either unavailable or do not agree on the potential impact of this missense change (SIFT: "Deleterious"; PolyPhen-2: "Probably Damaging"; Align-GVGD: "Class C0"). ClinVar contains an entry for this variant (Variation ID: 1407473). This variant has not been reported in the literature in individuals affected with CHST6-related conditions. This variant is not present in population databases (gnomAD no frequency). This sequence change replaces arginine, which is basic and polar, with proline, which is neutral and non-polar, at codon 5 of the CHST6 protein (p.Arg5Pro).

NM_021615.5(CHST6):c.14G>C (p.Arg5Pro)

Gene: CHST6 (carbohydrate sulfotransferase 6; minus strand). Cytogenetic location: 16q23.1.
Variant type: single nucleotide variant.
Coding change: c.14G>C on transcript NM_021615.5 (MANE Select); coding-DNA position 14, G replaced by C.
Protein change: p.Arg5Pro; replaces arginine 5 with proline.
Molecular consequence: missense variant.
Genome position (GRCh38, 1-based): chr16:75,479,815, C>G on the plus strand (G>C on the coding strand, the complement: CHST6 is on the minus strand). VCF-style: chr16-75479815-C-G. GRCh37 (hg19) VCF-style: chr16-75513713-C-G.
Other names: short protein forms R5P.
Identifiers: ClinVar variation 1407473 (VCV001407473.5), dbSNP rs1438351052, ClinGen allele CA396794418.